The following is an entry in ClinVar:

NM_004287.5(GOSR2):c.94+12A>G

Genes: GOSR2 (golgi SNAP receptor complex member 2; plus strand), LRRC37A2 (leucine rich repeat containing 37 member A2). Cytogenetic location: 17q21.32.
Variant type: single nucleotide variant.
Coding change: c.94+12A>G on transcript NM_004287.5 (MANE Select); 12 bases into the intron after coding-DNA position 94, A replaced by G.
Molecular consequence: intron variant.
Genome position (GRCh38, 1-based): chr17:46,929,596, A>G. VCF-style: chr17-46929596-A-G. GRCh37 (hg19) VCF-style: chr17-45006962-A-G.
Other names: c.94+12A>G (NM_001321133.2, NM_054022.4, NM_001330252.2 and 4 more transcripts); c.40+12A>G (NM_001363851.2, NM_001321134.2).
Identifiers: ClinVar variation 387651 (VCV000387651.9), dbSNP rs369271685, ClinGen allele CA8621138.
Genomic context (GRCh38, chr17:46,929,596, plus strand): 5'-CAGTCTTGCATGGGACGCCTGGAGACGGCAGACAAGCAGTCTGTGCACAGTGAGTAATTA[A>G]CTGTGGAGACCAGAGTCCTTTCTCTGATGACAGGGTGCTAATGGGCTGGGCTTCCTGACT-3'

ClinVar aggregate classification (germline): Likely benign. Review status: criteria provided, multiple submitters, no conflicts (2 of 4 stars). 2 submissions from 2 submitters: Likely benign (2). Last evaluated 2025-06-01.

Conditions:
Progressive myoclonic epilepsy. Also called: Progressive myoclonus epilepsy; Myoclonus epilepsy; Familial progressive myoclonic epilepsy; Myoclonic Epilepsies, Progressive. Identifiers: Orphanet 308, Orphanet 98261, MedGen C0751778, MONDO:0020074.

Allele frequency attached by ClinVar (database versions not stated): TOPMed below 0.00001; gnomAD 0.00001; gnomAD exomes 0.00002; ESP Exome Variant Server 0.00008.
gnomAD v4.1: 22 of 1,345,518 alleles (0.0016%); highest among the groups gnomAD compares: Middle Eastern, 0.036%; no homozygotes.

Submissions (2):

Labcorp Genetics (formerly Invitae), Labcorp
Classification: Likely benign for Progressive myoclonic epilepsy. Last evaluated: 2025-06-01. Review status: criteria provided, single submitter. Criteria: Invitae Variant Classification Sherloc (09022015). Collection method: clinical testing. Allele origin: germline.

GeneDx
Classification: Likely benign. Last evaluated: 2018-02-21. Review status: criteria provided, single submitter. Criteria: GeneDx Variant Classification (06012015). Collection method: clinical testing. Allele origin: germline. Affected: yes.
Comment: This variant is considered likely benign or benign based on one or more of the following criteria: it is a conservative change, it occurs at a poorly conserved position in the protein, it is predicted to be benign by multiple in silico algorithms, and/or has population frequency not consistent with disease.